The following is an entry in ClinVar:

ClinVar aggregate classification (germline): Uncertain significance (1 of 4 stars; one submission).

Conditions:
Neurodegeneration with brain iron accumulation 5 (NBIA5). Also called: Beta-propeller protein-associated neurodegeneration; STATIC ENCEPHALOPATHY OF CHILDHOOD WITH NEURODEGENERATION IN ADULTHOOD. Identifiers: Orphanet 329284, MedGen C3550973, MONDO:0010476, OMIM 300894.

Submission:

Labcorp Genetics (formerly Invitae), Labcorp
Classification: Uncertain significance for Neurodegeneration with brain iron accumulation 5. Last evaluated: 2023-03-04. Review status: criteria provided, single submitter. Criteria: Invitae Variant Classification Sherloc (09022015). Collection method: clinical testing. Allele origin: germline.
Comment: In summary, the available evidence is currently insufficient to determine the role of this variant in disease. Therefore, it has been classified as a Variant of Uncertain Significance. Advanced modeling of protein sequence and biophysical properties (such as structural, functional, and spatial information, amino acid conservation, physicochemical variation, residue mobility, and thermodynamic stability) performed at Invitae indicates that this missense variant is not expected to disrupt WDR45 protein function. This variant has not been reported in the literature in individuals affected with WDR45-related conditions. This variant is not present in population databases (gnomAD no frequency). This sequence change replaces threonine, which is neutral and polar, with alanine, which is neutral and non-polar, at codon 339 of the WDR45 protein (p.Thr339Ala).

NM_001029896.2(WDR45):c.1012A>G (p.Thr338Ala)

Gene: WDR45 (WD repeat domain 45; minus strand). Cytogenetic location: Xp11.23.
Variant type: single nucleotide variant.
Coding change: c.1012A>G on transcript NM_001029896.2 (MANE Select); coding-DNA position 1012, A replaced by G.
Protein change: p.Thr338Ala; replaces threonine 338 with alanine.
Molecular consequence: missense variant.
Genome position (GRCh38, 1-based): chrX:49,074,874, T>C on the plus strand (A>G on the coding strand, the complement: WDR45 is on the minus strand). VCF-style: chrX-49074874-T-C. GRCh37 (hg19) VCF-style: chrX-48932533-T-C.
Other names: c.1015A>G, p.Thr339Ala (NM_007075.4); short protein forms T338A, T339A.
Identifiers: ClinVar variation 2842930 (VCV002842930.3), dbSNP rs2520259065, ClinGen allele CA412941430.